The following is an entry in ClinVar:

ClinVar aggregate classification (germline): Uncertain significance (1 of 4 stars; one submission).

Conditions:
Candidiasis, familial, 9 (CANDF9). Identifiers: Orphanet 1334, MedGen C4225324, MONDO:0014642, OMIM 616445.

gnomAD v4.1: 4 of 1,613,900 alleles (0.00025%); highest among the groups gnomAD compares: Admixed American, 0.005%; no homozygotes.

Submission:

Labcorp Genetics (formerly Invitae), Labcorp
Classification: Uncertain significance for Candidiasis, familial, 9. Last evaluated: 2024-10-29. Review status: criteria provided, single submitter. Criteria: Invitae Variant Classification Sherloc (09022015). Collection method: clinical testing. Allele origin: germline.
Comment: This sequence change replaces threonine, which is neutral and polar, with proline, which is neutral and non-polar, at codon 356 of the IL17RC protein (p.Thr356Pro). This variant is present in population databases (rs767165570, gnomAD 0.009%). This variant has not been reported in the literature in individuals affected with IL17RC-related conditions. An algorithm developed to predict the effect of missense changes on protein structure and function (PolyPhen-2) suggests that this variant is likely to be tolerated. In summary, the available evidence is currently insufficient to determine the role of this variant in disease. Therefore, it has been classified as a Variant of Uncertain Significance.

NM_153460.4(IL17RC):c.853A>C (p.Thr285Pro)

Gene: IL17RC (interleukin 17 receptor C; plus strand). Cytogenetic location: 3p25.3.
Variant type: single nucleotide variant.
Coding change: c.853A>C on transcript NM_153460.4 (MANE Select); coding-DNA position 853, A replaced by C.
Protein change: p.Thr285Pro; replaces threonine 285 with proline.
Molecular consequence: missense variant. On other transcripts: non-coding transcript variant (1).
Genome position (GRCh38, 1-based): chr3:9,928,196, A>C. VCF-style: chr3-9928196-A-C. GRCh37 (hg19) VCF-style: chr3-9969880-A-C.
Other names: c.1066A>C, p.Thr356Pro (NM_153461.4); c.853A>C, p.Thr285Pro (NM_001203263.2, NM_001203264.2); c.808A>C, p.Thr270Pro (NM_001203265.2, NM_001367280.1, NM_001410711.1 and 1 more transcripts); c.814A>C, p.Thr272Pro (NM_001367278.1); c.733A>C, p.Thr245Pro (NM_001367279.1); short protein forms T245P, T270P, T272P, T285P, T356P.
Identifiers: ClinVar variation 3603335 (VCV003603335.2).